The following is an entry in ClinVar:

ClinVar aggregate classification (germline): Uncertain significance. Review status: criteria provided, multiple submitters, no conflicts (2 of 4 stars). 2 submissions from 2 submitters: Uncertain significance (2). Last evaluated 2025-09-01.

Conditions:
Severe combined immunodeficiency due to IKK2 deficiency. Also called: Immunodeficiency 15; IMMUNODEFICIENCY 15B. Identifiers: Orphanet 397787, MedGen C4747743, MONDO:0014267, OMIM 615592.
Inborn genetic diseases. Identifiers: MedGen C0950123, MeSH D030342.

Allele frequency attached by ClinVar (database versions not stated): gnomAD 0.00001.
gnomAD v4.1: 19 of 1,613,588 alleles (0.0012%); highest among the groups gnomAD compares: East Asian, 0.0045%; no homozygotes.

Submissions (3):

Ambry Genetics
Classification: Uncertain significance for Inborn genetic diseases. Last evaluated: 2025-09-01. Review status: criteria provided, single submitter. Criteria: Ambry Variant Classification Scheme 2023. Collection method: clinical testing. Allele origin: germline.

Labcorp Genetics (formerly Invitae), Labcorp
Classification: Uncertain significance for Severe combined immunodeficiency due to IKK2 deficiency. Last evaluated: 2024-12-19. Review status: criteria provided, single submitter. Criteria: Invitae Variant Classification Sherloc (09022015). Collection method: clinical testing. Allele origin: germline.
Comment: This sequence change replaces arginine, which is basic and polar, with glutamine, which is neutral and polar, at codon 606 of the IKBKB protein (p.Arg606Gln). This variant is present in population databases (rs776259486, gnomAD 0.006%). This variant has not been reported in the literature in individuals affected with IKBKB-related conditions. ClinVar contains an entry for this variant (Variation ID: 1421145). Invitae Evidence Modeling of protein sequence and biophysical properties (such as structural, functional, and spatial information, amino acid conservation, physicochemical variation, residue mobility, and thermodynamic stability) indicates that this missense variant is not expected to disrupt IKBKB protein function with a negative predictive value of 95%. In summary, the available evidence is currently insufficient to determine the role of this variant in disease. Therefore, it has been classified as a Variant of Uncertain Significance.

Dr. Peter K. Rogan Lab, Western University
No classification provided (evidence only). Condition: Nonpapillary renal cell carcinoma. Review status: no classification provided. Collection method: in vitro. Allele origin: not applicable. Functional consequence: retained intron. Not counted in ClinVar's aggregate classification.

NM_001556.3(IKBKB):c.1817G>A (p.Arg606Gln)

Gene: IKBKB (inhibitor of nuclear factor kappa B kinase subunit beta; plus strand). Cytogenetic location: 8p11.21.
Variant type: single nucleotide variant.
Coding change: c.1817G>A on transcript NM_001556.3 (MANE Select); coding-DNA position 1817, G replaced by A.
Protein change: p.Arg606Gln; replaces arginine 606 with glutamine.
Molecular consequence: missense variant. On other transcripts: non-coding transcript variant (3).
Genome position (GRCh38, 1-based): chr8:42,322,132, G>A. VCF-style: chr8-42322132-G-A. GRCh37 (hg19) VCF-style: chr8-42179650-G-A.
Other names: c.1817G>A (NM_001556.2); c.1625G>A, p.Arg542Gln (NM_001190720.3); c.1640G>A, p.Arg547Gln (NM_001242778.2); short protein forms R542Q, R606Q, R547Q.
Identifiers: ClinVar variation 1421145 (VCV001421145.10), dbSNP rs776259486, ClinGen allele CA4732124.